The following is an entry in ClinVar:

ClinVar aggregate classification (germline): Uncertain significance. Review status: criteria provided, multiple submitters, no conflicts (2 of 4 stars). 2 submissions from 2 submitters: Uncertain significance (2). Last evaluated 2021-12-18.

Conditions:
Ataxia-telangiectasia syndrome (AT). Also called: Cerebello-oculocutaneous telangiectasia; Immunodeficiency with ataxia telangiectasia; Ataxia-telangiectasia, complementation group E; Ataxia-telangiectasia, complementation group D; AT, COMPLEMENTATION GROUP C; ATAXIA-TELANGIECTASIA, COMPLEMENTATION GROUP A. Identifiers: Orphanet 100, MedGen C0004135, MONDO:0008840, OMIM 208900.
Hereditary cancer-predisposing syndrome. Also called: Hereditary Cancer Syndrome; Neoplastic Syndromes, Hereditary; Hereditary neoplastic syndrome; Tumor predisposition. Identifiers: Orphanet 140162, MedGen C0027672, MeSH D009386, MONDO:0015356.

Submissions (2):

Labcorp Genetics (formerly Invitae), Labcorp
Classification: Uncertain significance for Ataxia-telangiectasia syndrome. Last evaluated: 2021-12-18. Review status: criteria provided, single submitter. Criteria: Invitae Variant Classification Sherloc (09022015). Collection method: clinical testing. Allele origin: germline.
Comment: This sequence change replaces serine, which is neutral and polar, with alanine, which is neutral and non-polar, at codon 706 of the ATM protein (p.Ser706Ala). This variant is not present in population databases (gnomAD no frequency). This variant has not been reported in the literature in individuals affected with ATM-related conditions. In summary, the available evidence is currently insufficient to determine the role of this variant in disease. Therefore, it has been classified as a Variant of Uncertain Significance. Advanced modeling of protein sequence and biophysical properties (such as structural, functional, and spatial information, amino acid conservation, physicochemical variation, residue mobility, and thermodynamic stability) performed at Invitae indicates that this missense variant is not expected to disrupt ATM protein function. ClinVar contains an entry for this variant (Variation ID: 820649).

Ambry Genetics
Classification: Uncertain significance for Hereditary cancer-predisposing syndrome. Last evaluated: 2018-07-03. Review status: criteria provided, single submitter. Criteria: Ambry Variant Classification Scheme 2023. Collection method: clinical testing. Allele origin: germline.
Comment: The p.S706A variant (also known as c.2116T>G), located in coding exon 12 of the ATM gene, results from a T to G substitution at nucleotide position 2116. The serine at codon 706 is replaced by alanine, an amino acid with similar properties. This amino acid position is well conserved in available vertebrate species. In addition, this alteration is predicted to be tolerated by in silico analysis. Since supporting evidence is limited at this time, the clinical significance of this alteration remains unclear.

NM_000051.4(ATM):c.2116T>G (p.Ser706Ala)

Gene: ATM (ATM serine/threonine kinase; plus strand). Cytogenetic location: 11q22.3.
Variant type: single nucleotide variant.
Coding change: c.2116T>G on transcript NM_000051.4 (MANE Select); coding-DNA position 2116, T replaced by G.
Protein change: p.Ser706Ala; replaces serine 706 with alanine.
Molecular consequence: missense variant.
Genome position (GRCh38, 1-based): chr11:108,254,031, T>G. VCF-style: chr11-108254031-T-G. GRCh37 (hg19) VCF-style: chr11-108124758-T-G.
Other names: c.2116T>G, p.Ser706Ala (NM_001351834.2); short protein forms S706A.
Identifiers: ClinVar variation 820649 (VCV000820649.10), dbSNP rs536609092, ClinGen allele CA382537774.
Genomic context (GRCh38, chr11:108,254,031, plus strand): 5'-CTCAAGGAATCACTGGATCGCTGTCTTCTGGGATTATCAGAACAGCTTCTGAATAATTAC[T>G]CATCTGAGGTGAGATTTTTTAAAAAAAGAACTAAGCTTATATATGATTCAACTTTGGTAA-3'
Protein context (NP_000042.3, residues 696-716): GLSEQLLNNY[Ser706Ala]SEITNSETLV